The following is an entry in ClinVar:

NM_003640.5(ELP1):c.1180A>G (p.Ile394Val)

Gene: ELP1 (elongator acetyltransferase complex subunit 1; minus strand). Cytogenetic location: 9q31.3.
Variant type: single nucleotide variant.
Coding change: c.1180A>G on transcript NM_003640.5 (MANE Select); coding-DNA position 1180, A replaced by G.
Protein change: p.Ile394Val; replaces isoleucine 394 with valine.
Molecular consequence: missense variant.
Genome position (GRCh38, 1-based): chr9:108,912,273, T>C on the plus strand (A>G on the coding strand, the complement: ELP1 is on the minus strand). VCF-style: chr9-108912273-T-C. GRCh37 (hg19) VCF-style: chr9-111674553-T-C.
Other names: c.838A>G, p.Ile280Val (NM_001318360.2); c.133A>G, p.Ile45Val (NM_001330749.2); c.1180A>G (NM_003640.3); short protein forms I394V, I45V, I280V.
Identifiers: ClinVar variation 1370609 (VCV001370609.4), dbSNP rs1372225878, ClinGen allele CA374429249.
Genomic context (GRCh38, chr9:108,912,273, plus strand): 5'-CTAGGCTCAGGACCCCTTGCAGGCTCATGGACACACTTCCCAGGAGCTTACTTCCATCAA[T>C]GACAGCCACATTGGACAAGTCACTTGAATTATCTCCCACGCTCCGGTCAGTCGTCCAGTG-3'
Protein context (NP_003631.2, residues 384-404): NSSDLSNVAV[Ile394Val]DGNRVLVTVF

ClinVar aggregate classification (germline): Uncertain significance. Review status: criteria provided, multiple submitters, no conflicts (2 of 4 stars). 2 submissions from 2 submitters: Uncertain significance (2). Last evaluated 2024-06-12.

Allele frequency attached by ClinVar (database versions not stated): gnomAD exomes below 0.00001; TOPMed below 0.00001; gnomAD 0.00001.
gnomAD v4.1: 7 of 1,613,852 alleles (0.00043%); highest among the groups gnomAD compares: Admixed American, 0.0017%; no homozygotes.

Submissions (2):

GeneDx
Classification: Uncertain significance. Last evaluated: 2024-06-12. Review status: criteria provided, single submitter. Criteria: GeneDx Variant Classification Process June 2021. Collection method: clinical testing. Allele origin: germline. Affected: yes.
Comment: Not observed at significant frequency in large population cohorts (gnomAD); In silico analysis indicates that this missense variant does not alter protein structure/function; Has not been previously published as pathogenic or benign to our knowledge

Labcorp Genetics (formerly Invitae), Labcorp
Classification: Uncertain significance. Last evaluated: 2021-11-05. Review status: criteria provided, single submitter. Criteria: Invitae Variant Classification Sherloc (09022015). Collection method: clinical testing. Allele origin: germline.
Comment: This sequence change replaces isoleucine, which is neutral and non-polar, with valine, which is neutral and non-polar, at codon 394 of the ELP1 protein (p.Ile394Val). This variant is present in population databases (no rsID available, gnomAD 0.003%). This variant has not been reported in the literature in individuals affected with ELP1-related conditions. Algorithms developed to predict the effect of missense changes on protein structure and function output the following: SIFT: "Tolerated"; PolyPhen-2: "Benign"; Align-GVGD: "Class C0". The valine amino acid residue is found in multiple mammalian species, which suggests that this missense change does not adversely affect protein function. In summary, the available evidence is currently insufficient to determine the role of this variant in disease. Therefore, it has been classified as a Variant of Uncertain Significance.